The following is an entry in ClinVar:

ClinVar aggregate classification (germline): Uncertain significance. Review status: criteria provided, multiple submitters, no conflicts (2 of 4 stars). 4 submissions from 4 submitters: Uncertain significance (4). Last evaluated 2026-01-13.

Conditions:
Juvenile myelomonocytic leukemia (JMML). Also called: LEUKEMIA, JUVENILE MYELOMONOCYTIC, SOMATIC. Identifiers: Orphanet 86834, MedGen C0349639, MONDO:0011908, OMIM 607785, HP:0012209.
Noonan syndrome 1 (NS1). Also called: TURNER PHENOTYPE WITH NORMAL KARYOTYPE; PTPN11-Related Noonan Syndrome; FEMALE PSEUDO-TURNER SYNDROME. Identifiers: Orphanet 648, MedGen C4551602, MONDO:0008104, OMIM 163950. Disease mechanism: gain of function.
Metachondromatosis (METCDS). Identifiers: Orphanet 2499, MedGen C0410530, MONDO:0007979, OMIM 156250.
LEOPARD syndrome 1 (LPRD1). Also called: LENTIGINOSIS, CARDIOMYOPATHIC; MULTIPLE LENTIGINES SYNDROME; PTPN11-Related LEOPARD Syndrome. Identifiers: Orphanet 500, MedGen C4551484, MONDO:0100082, OMIM 151100.
Cardiovascular phenotype. Identifiers: MedGen CN230736.
RASopathy. Also called: rasopathies; Noonan spectrum disorder. Identifiers: Orphanet 536391, MedGen C5555857, MONDO:0021060.

Allele frequency attached by ClinVar (database versions not stated): ExAC 0.00001; gnomAD exomes 0.00001 and 0.00004; TOPMed 0.00001; gnomAD 0.00003.
gnomAD v4.1: 57 of 1,613,866 alleles (0.0035%); highest among the groups gnomAD compares: Non-Finnish European, 0.0046%; no homozygotes.

Submissions (4):

Labcorp Genetics (formerly Invitae), Labcorp
Classification: Uncertain significance for RASopathy. Last evaluated: 2026-01-13. Review status: criteria provided, single submitter. Criteria: Invitae Variant Classification Sherloc (09022015). Collection method: clinical testing. Allele origin: germline.
Comment: This sequence change replaces histidine, which is basic and polar, with tyrosine, which is neutral and polar, at codon 443 of the PTPN11 protein (p.His443Tyr). This variant is present in population databases (rs779236638, gnomAD 0.007%). This variant has not been reported in the literature in individuals affected with PTPN11-related conditions. ClinVar contains an entry for this variant (Variation ID: 289057). Invitae Evidence Modeling of protein sequence and biophysical properties (such as structural, functional, and spatial information, amino acid conservation, physicochemical variation, residue mobility, and thermodynamic stability) indicates that this missense variant is not expected to disrupt PTPN11 protein function with a negative predictive value of 80%. In summary, the available evidence is currently insufficient to determine the role of this variant in disease. Therefore, it has been classified as a Variant of Uncertain Significance.

Ambry Genetics
Classification: Uncertain significance for Cardiovascular phenotype. Last evaluated: 2025-01-08. Review status: criteria provided, single submitter. Criteria: Ambry Variant Classification Scheme 2023. Collection method: clinical testing. Allele origin: germline.
Comment: The p.H443Y variant (also known as c.1327C>T), located in coding exon 11 of the PTPN11 gene, results from a C to T substitution at nucleotide position 1327. The histidine at codon 443 is replaced by tyrosine, an amino acid with similar properties. This amino acid position is well conserved in available vertebrate species. In addition, this alteration is predicted to be tolerated by in silico analysis. Since supporting evidence is limited at this time, the clinical significance of this alteration remains unclear.

Fulgent Genetics
Classification: Uncertain significance for LEOPARD syndrome 1; Metachondromatosis; Noonan syndrome 1; Juvenile myelomonocytic leukemia. Last evaluated: 2021-12-08. Review status: criteria provided, single submitter. Criteria: ACMG Guidelines, 2015. Collection method: clinical testing. Allele origin: unknown.

Eurofins Ntd Llc (ga)
Classification: Uncertain significance. Last evaluated: 2016-07-21. Review status: criteria provided, single submitter. Criteria: EGL Classification Definitions 2015. Collection method: clinical testing. Allele origin: germline. Observed: 1 variant allele, 1 heterozygote.

NM_002834.5(PTPN11):c.1327C>T (p.His443Tyr)

Gene: PTPN11 (protein tyrosine phosphatase non-receptor type 11; plus strand). Cytogenetic location: 12q24.13.
Variant type: single nucleotide variant.
Coding change: c.1327C>T on transcript NM_002834.5 (MANE Select); coding-DNA position 1327, C replaced by T.
Protein change: p.His443Tyr; replaces histidine 443 with tyrosine.
Molecular consequence: missense variant.
Genome position (GRCh38, 1-based): chr12:112,486,577, C>T. VCF-style: chr12-112486577-C-T. GRCh37 (hg19) VCF-style: chr12-112924381-C-T.
Other names: c.1339C>T, p.His447Tyr (NM_001330437.2); c.1324C>T, p.His442Tyr (NM_001374625.1); c.1327C>T, p.His443Tyr (NM_080601.3); short protein forms H443Y, H447Y, H442Y.
Identifiers: ClinVar variation 289057 (VCV000289057.15), dbSNP rs779236638, ClinGen allele CA6798765.